The following is an entry in ClinVar:

ClinVar aggregate classification (germline): Uncertain significance (1 of 4 stars; one submission).

Conditions:
Congenital sideroblastic anemia-B-cell immunodeficiency-periodic fever-developmental delay syndrome. Also called: Sideroblastic anemia with B-cell immunodeficiency, periodic fevers, and developmental delay. Identifiers: Orphanet 369861, MedGen C4015172, MONDO:0014487, OMIM 616084.

Submission:

Labcorp Genetics (formerly Invitae), Labcorp
Classification: Uncertain significance for Congenital sideroblastic anemia-B-cell immunodeficiency-periodic fever-developmental delay syndrome. Last evaluated: 2019-12-08. Review status: criteria provided, single submitter. Criteria: Invitae Variant Classification Sherloc (09022015). Collection method: clinical testing. Allele origin: germline.
Comment: This sequence change replaces glycine with alanine at codon 72 of the TRNT1 protein (p.Gly72Ala). The glycine residue is highly conserved and there is a small physicochemical difference between glycine and alanine. In summary, the available evidence is currently insufficient to determine the role of this variant in disease. Therefore, it has been classified as a Variant of Uncertain Significance. Algorithms developed to predict the effect of missense changes on protein structure and function do not agree on the potential impact of this missense change (SIFT: "Deleterious"; PolyPhen-2: "Benign"; Align-GVGD: "Class C0"). This variant has not been reported in the literature in individuals with TRNT1-related disease. This variant is not present in population databases (ExAC no frequency).

NM_182916.3(TRNT1):c.215G>C (p.Gly72Ala)

Gene: TRNT1 (tRNA nucleotidyl transferase 1; plus strand). Cytogenetic location: 3p26.2.
Variant type: single nucleotide variant.
Coding change: c.215G>C on transcript NM_182916.3 (MANE Select); coding-DNA position 215, G replaced by C.
Protein change: p.Gly72Ala; replaces glycine 72 with alanine.
Molecular consequence: missense variant. On other transcripts: non-coding transcript variant (8).
Genome position (GRCh38, 1-based): chr3:3,137,326, G>C. VCF-style: chr3-3137326-G-C. GRCh37 (hg19) VCF-style: chr3-3179010-G-C.
Other names: c.215G>C, p.Gly72Ala (NM_001302946.2, NM_001367321.1, NM_001367322.1 and 2 more transcripts); short protein forms G72A.
Identifiers: ClinVar variation 569812 (VCV000569812.7), dbSNP rs1267775202, ClinGen allele CA351443061.